The following is an entry in ClinVar:

ClinVar aggregate classification (germline): Conflicting classifications of pathogenicity. Review status: criteria provided, conflicting classifications (1 of 4 stars). 3 submissions from 3 submitters: Uncertain significance (2); Benign (1). Last evaluated 2026-03-28.

Conditions:
RP1L1-related disorder. Also called: RP1L1-related condition.
Inborn genetic diseases. Identifiers: MedGen C0950123, MeSH D030342.

gnomAD v4.1: 124 of 1,612,572 alleles (0.0077%); highest among the groups gnomAD compares: African/African-American, 0.15%; no homozygotes.

Submissions (3):

PreventionGenetics, part of Exact Sciences
Classification: Uncertain significance for RP1L1-related condition. Last evaluated: 2026-03-28. Review status: criteria provided, single submitter. Criteria: ACMG Guidelines, 2015. Collection method: clinical testing. Allele origin: germline.
Comment: The RP1L1 c.2462A>G variant is predicted to result in the amino acid substitution p.His821Arg. To our knowledge, this variant has not been reported in the literature. This variant is reported in 0.12% of alleles in individuals of African descent in gnomAD, which may be too frequent to be a primary cause of disease. Although we suspect that this variant may be benign, at this time, the clinical significance of this variant is uncertain due to the absence of conclusive functional and genetic evidence.

Ambry Genetics
Classification: Uncertain significance for Inborn genetic diseases. Last evaluated: 2024-09-26. Review status: criteria provided, single submitter. Criteria: Ambry Variant Classification Scheme 2023. Collection method: clinical testing. Allele origin: germline.

Blueprint Genetics
Classification: Benign. Last evaluated: 2023-09-18. Review status: criteria provided, single submitter. Criteria: ACMG Guidelines, 2015. Collection method: clinical testing. Allele origin: germline.

NM_178857.6(RP1L1):c.2462A>G (p.His821Arg)

Gene: RP1L1 (RP1 like 1). Cytogenetic location: 8p23.1.
Variant type: single nucleotide variant.
Coding change: c.2462A>G on transcript NM_178857.6 (MANE Select); coding-DNA position 2462, A replaced by G.
Protein change: p.His821Arg; replaces histidine 821 with arginine.
Molecular consequence: missense variant.
Genome position (GRCh38, 1-based): chr8:10,611,636, T>C on the plus strand (A>G on the coding strand, the complement: RP1L1 is on the minus strand). VCF-style: chr8-10611636-T-C. GRCh37 (hg19) VCF-style: chr8-10469146-T-C.
Other names: short protein forms H821R.
Identifiers: ClinVar variation 3434902 (VCV003434902.3).
Genomic context (GRCh38, chr8:10,611,636, plus strand): 5'-GGTCCCCGCTGGGCCTCTTGGGCCGGCTGCGTCCCAGGCTGTGAGCAGCAGTGGCTTCGG[T>C]GGGGGCCCACCGCCCCTTGCTCAGGCCGTCCAACCTGCAGAACCAAGGGTGAGGAGGGCT-3'
Protein context (NP_849188.4, residues 811-831): GRPEQGAVGP[His821Arg]RSHCCSQPGT